The following is an entry in ClinVar:

ClinVar aggregate classification (germline): Benign. Review status: criteria provided, multiple submitters, no conflicts (2 of 4 stars). 2 submissions from 2 submitters: Benign (2). Last evaluated 2025-12-08.

Conditions:
ADCY10-related disorder. Also called: ADCY10-related condition.

Allele frequency attached by ClinVar (database versions not stated): ESP Exome Variant Server 0.00008; TOPMed 0.00017; 1000 Genomes Project 0.00719; 1000 Genomes Project 30x 0.00734.
gnomAD v4.1: 1,809 of 1,614,060 alleles (0.11%); highest among the groups gnomAD compares: South Asian, 1.9%; 34 homozygotes.

Submissions (2):

Labcorp Genetics (formerly Invitae), Labcorp
Classification: Benign. Last evaluated: 2025-12-08. Review status: criteria provided, single submitter. Criteria: Invitae Variant Classification Sherloc (09022015). Collection method: clinical testing. Allele origin: germline.

PreventionGenetics, part of Exact Sciences
Classification: Benign for ADCY10-related condition. Last evaluated: 2025-11-18. Review status: criteria provided, single submitter. Criteria: ACMG Guidelines, 2015. Collection method: clinical testing. Allele origin: germline.
Comment: This variant is classified as benign based on ACMG/AMP sequence variant interpretation guidelines (Richards et al. 2015 PMID: 25741868, with internal and published modifications).

NM_018417.6(ADCY10):c.3488G>T (p.Arg1163Leu)

Gene: ADCY10 (adenylate cyclase 10; minus strand). Cytogenetic location: 1q24.2.
Variant type: single nucleotide variant.
Coding change: c.3488G>T on transcript NM_018417.6 (MANE Select); coding-DNA position 3488, G replaced by T.
Protein change: p.Arg1163Leu; replaces arginine 1163 with leucine.
Molecular consequence: missense variant.
Genome position (GRCh38, 1-based): chr1:167,833,092, C>A on the plus strand (G>T on the coding strand, the complement: ADCY10 is on the minus strand). VCF-style: chr1-167833092-C-A. GRCh37 (hg19) VCF-style: chr1-167802330-C-A.
Other names: c.3029G>T, p.Arg1010Leu (NM_001167749.3); c.3212G>T, p.Arg1071Leu (NM_001297772.2); c.3488G>T (NM_018417.5); short protein forms R1010L, R1071L, R1163L.
Identifiers: ClinVar variation 1599718 (VCV001599718.9), dbSNP rs143185037, ClinGen allele CA1227338.
Genomic context (GRCh38, chr1:167,833,092, plus strand): 5'-TGTCTGTTTTTCTCGACATGGATATGGAGAAACAAGGAGATTAAGTTGTAAGGAAAGATT[C>A]GGTTGAGGAGCTTCAGTGCCTTCCTCAGCATTTTCTTGGCAAGCACTATCTGGCCCATAT-3'
Protein context (NP_060887.2, residues 1153-1173): MLRKALKLLN[Arg1163Leu]IFPYNLISLF